The following is an entry in ClinVar:

NM_001384140.1(PCDH15):c.3374-72A>G

Gene: PCDH15 (protocadherin related 15; minus strand). Cytogenetic location: 10q21.1.
Variant type: single nucleotide variant.
Coding change: c.3374-72A>G on transcript NM_001384140.1 (MANE Select); 72 bases into the intron before coding-DNA position 3374, A replaced by G.
Molecular consequence: intron variant.
Genome position (GRCh38, 1-based): chr10:53,903,442, T>C on the plus strand (A>G on the coding strand, the complement: PCDH15 is on the minus strand). VCF-style: chr10-53903442-T-C. GRCh37 (hg19) VCF-style: chr10-55663202-T-C.
Other names: c.3374-72A>G (NM_001354420.2, NM_001354429.2, NM_001142772.2 and 4 more transcripts); c.3389-72A>G (NM_001142771.2, NM_001142763.2); c.3395-72A>G (NM_001354411.2); c.3410-72A>G (NM_001142769.3); c.3308-72A>G (NM_001354404.2, NM_001142773.2, NM_001142768.2); c.3263-72A>G (NM_001142767.2); c.3161-72A>G (NM_001142765.2).
Identifiers: ClinVar variation 674389 (VCV000674389.5), dbSNP rs2593124, ClinGen allele CA13331770.

ClinVar aggregate classification (germline): Benign. Review status: criteria provided, multiple submitters, no conflicts (2 of 4 stars). 3 submissions from 3 submitters: Benign (3). Last evaluated 2021-07-01.

Conditions:
Usher syndrome type 1F (USH1F). Also called: USHER SYNDROME, TYPE IF. Identifiers: Orphanet 231169, Orphanet 886, MedGen C1865885, MONDO:0011186, OMIM 602083.

Allele frequency attached by ClinVar (database versions not stated): gnomAD 0.75916 and 0.75471; TOPMed 0.77582; 1000 Genomes Project 30x 0.84447; 1000 Genomes Project 0.84724; gnomAD exomes 0.69719.
gnomAD v4.1: 1,099,878 of 1,560,730 alleles (70%); highest among the groups gnomAD compares: East Asian, 100%; 393,644 homozygotes.

Submissions (3):

Genome-Nilou Lab
Classification: Benign for Usher syndrome type 1F. Last evaluated: 2021-07-01. Review status: criteria provided, single submitter. Criteria: ACMG Guidelines, 2015. Collection method: clinical testing. Allele origin: germline. Affected: no.

GeneDx
Classification: Benign. Last evaluated: 2018-06-14. Review status: criteria provided, single submitter. Criteria: GeneDx Variant Classification (06012015). Collection method: clinical testing. Allele origin: germline. Affected: yes.
Comment: This variant is considered likely benign or benign based on one or more of the following criteria: it is a conservative change, it occurs at a poorly conserved position in the protein, it is predicted to be benign by multiple in silico algorithms, and/or has population frequency not consistent with disease.

Breakthrough Genomics
Classification: Benign. Review status: criteria provided, single submitter. Criteria: ACMG Guidelines, 2015. Collection method: not provided. Allele origin: germline. Inheritance: Autosomal recessive inheritance. Affected: yes.